The following is an entry in ClinVar:

NM_000136.3(FANCC):c.1464G>C (p.Arg488Ser)

Genes: AOPEP (aminopeptidase O (putative); plus strand), FANCC (FA complementation group C; minus strand). Cytogenetic location: 9q22.32.
Variant type: single nucleotide variant.
Coding change: c.1464G>C on transcript NM_000136.3 (MANE Select); coding-DNA position 1464, G replaced by C.
Protein change: p.Arg488Ser; replaces arginine 488 with serine.
Molecular consequence: missense variant.
Genome position (GRCh38, 1-based): chr9:95,107,135, C>G on the plus strand (G>C on the coding strand, the complement: FANCC is on the minus strand). VCF-style: chr9-95107135-C-G. GRCh37 (hg19) VCF-style: chr9-97869417-C-G.
Other names: c.1464G>C, p.Arg488Ser (NM_001243743.2); short protein forms R488S.
Identifiers: ClinVar variation 571161 (VCV000571161.14), dbSNP rs1415434775, ClinGen allele CA374105780.

ClinVar aggregate classification (germline): Uncertain significance. Review status: criteria provided, multiple submitters, no conflicts (2 of 4 stars). 6 submissions from 6 submitters: Uncertain significance (6). Last evaluated 2024-02-23.

Conditions:
Hereditary cancer-predisposing syndrome. Also called: Hereditary neoplastic syndrome; Tumor predisposition; Neoplastic Syndromes, Hereditary; Hereditary Cancer Syndrome. Identifiers: Orphanet 140162, MedGen C0027672, MeSH D009386, MONDO:0015356.
Fanconi anemia (FA). Also called: Fanconi's anemia. Identifiers: Orphanet 84, MedGen C0015625, MeSH D005199, MONDO:0019391.
Fanconi anemia complementation group C (FANCC). Also called: FANCC-Related Fanconi Anemia; FANCONI PANCYTOPENIA, TYPE 3; FACC; Fanconi anemia, group C. Identifiers: Orphanet 84, MedGen C3468041, MONDO:0009213, OMIM 227645.

Allele frequency attached by ClinVar (database versions not stated): gnomAD exomes below 0.00001; TOPMed below 0.00001; gnomAD 0.00001.
gnomAD v4.1: 2 of 1,614,048 alleles (0.00012%); highest among the groups gnomAD compares: Middle Eastern, 0.016%; no homozygotes.

Submissions (6):

Ambry Genetics
Classification: Uncertain significance for Hereditary cancer-predisposing syndrome. Last evaluated: 2024-02-23. Review status: criteria provided, single submitter. Criteria: Ambry Variant Classification Scheme 2023. Collection method: clinical testing. Allele origin: germline.
Comment: The p.R488S variant (also known as c.1464G>C), located in coding exon 13 of the FANCC gene, results from a G to C substitution at nucleotide position 1464. The arginine at codon 488 is replaced by serine, an amino acid with dissimilar properties. This amino acid position is conserved. In addition, this alteration is predicted to be tolerated by in silico analysis. Since supporting evidence is limited at this time, the clinical significance of this alteration remains unclear.

Labcorp Genetics (formerly Invitae), Labcorp
Classification: Uncertain significance for Fanconi anemia. Last evaluated: 2023-08-27. Review status: criteria provided, single submitter. Criteria: Invitae Variant Classification Sherloc (09022015). Collection method: clinical testing. Allele origin: germline.
Comment: In summary, the available evidence is currently insufficient to determine the role of this variant in disease. Therefore, it has been classified as a Variant of Uncertain Significance. Advanced modeling of protein sequence and biophysical properties (such as structural, functional, and spatial information, amino acid conservation, physicochemical variation, residue mobility, and thermodynamic stability) performed at Invitae indicates that this missense variant is not expected to disrupt FANCC protein function. ClinVar contains an entry for this variant (Variation ID: 571161). This variant has not been reported in the literature in individuals affected with FANCC-related conditions. This variant is not present in population databases (gnomAD no frequency). This sequence change replaces arginine, which is basic and polar, with serine, which is neutral and polar, at codon 488 of the FANCC protein (p.Arg488Ser).

St. Jude Molecular Pathology, St. Jude Children's Research Hospital
Classification: Uncertain significance for Fanconi anemia complementation group C. Last evaluated: 2023-08-17. Review status: criteria provided, single submitter. Criteria: St. Jude Assertion Criteria 2020. Collection method: clinical testing. Allele origin: germline.
Comment: The FANCC c.1464G>C (p.Arg488Ser) missense change is absent in gnomAD v2.1.1. The in silico tool REVEL predicts a benign effect on protein function, but this prediction has not been confirmed by functional studies. This variant has not been reported in individuals with Fanconi anemia. In summary, the evidence currently available is insufficient to determine the clinical significance of this variant. It has therefore been classified as of uncertain significance.?

GeneDx
Classification: Uncertain significance. Last evaluated: 2023-08-05. Review status: criteria provided, single submitter. Criteria: GeneDx Variant Classification Process June 2021. Collection method: clinical testing. Allele origin: germline. Affected: yes.
Comment: Not observed at significant frequency in large population cohorts (gnomAD); In silico analysis supports that this missense variant has a deleterious effect on protein structure/function; Has not been previously published as pathogenic or benign to our knowledge

Center for Genomics, Ann and Robert H. Lurie Children's Hospital of Chicago
Classification: Uncertain significance for Fanconi anemia complementation group C. Last evaluated: 2021-11-24. Review status: criteria provided, single submitter. Criteria: ACMG Guidelines, 2015. Collection method: clinical testing. Allele origin: germline.
Comment: FANCC NM_000136.2 exon 14 p.Arg488Ser (c.1464G>C): This variant has not been reported in the literature but is present in 0.001% (1/68030) of European alleles in the Genome Aggregation Database. This variant is present in ClinVar (Variation ID:571161). This variant amino acid Serine (Ser) is present in 1 reptilian species and is not well conserved among evolutionarily distant species; this suggests that this variant may not impact the protein. Additional computational prediction tools do not suggest an impact. In summary, data on this variant is insufficient for disease classification. Therefore, the clinical significance of this variant is uncertain.

Fulgent Genetics
Classification: Uncertain significance for Fanconi anemia complementation group C. Last evaluated: 2021-11-12. Review status: criteria provided, single submitter. Criteria: ACMG Guidelines, 2015. Collection method: clinical testing. Allele origin: unknown.